The following is an entry in ClinVar:

NM_004444.5(EPHB4):c.2484+2dup

Genes: EPHB4 (EPH receptor B4; minus strand), LOC126860124 (CDK7 strongly-dependent group 2 enhancer GRCh37_chr7:100403701-100404900; plus strand). Cytogenetic location: 7q22.1.
Variant type: Duplication.
Coding change: c.2484+2dup on transcript NM_004444.5 (MANE Select); the canonical splice donor site of the intron after coding-DNA position 2484, one base duplicated (T; older notation c.2484+2dupT).
Molecular consequence: splice donor variant.
Genome position (GRCh38, 1-based): chr7:100,806,418, A duplicated on the plus strand (T on the coding strand, the reverse complement: EPHB4 is on the minus strand). VCF-style (leftmost placement, unchanged base first): chr7-100806417-T-TA. GRCh37 (hg19) VCF-style: chr7-100404039-T-TA.
Identifiers: ClinVar variation 590876 (VCV000590876.2), dbSNP rs1584653620, ClinGen allele CA915945389.

ClinVar aggregate classification (germline): Likely pathogenic. Review status: criteria provided, single submitter (1 of 4 stars). 2 submissions from 2 submitters: Likely pathogenic (1). 1 of the submissions does not count toward it. Last evaluated 2023-08-03.

Conditions:
Capillary malformation-arteriovenous malformation 2 (CMAVM2). Identifiers: Orphanet 693912, MedGen C4748670, MONDO:0020785, OMIM 618196.

Submissions (2):

GeneDx
Classification: Likely pathogenic. Last evaluated: 2023-08-03. Review status: criteria provided, single submitter. Criteria: GeneDx Variant Classification Process June 2021. Collection method: clinical testing. Allele origin: germline. Affected: yes.
Comment: Canonical splice site variant predicted to result in an in-frame loss of the adjacent exon in a gene for which loss of function is a known mechanism of disease; Not observed at significant frequency in large population cohorts (gnomAD); This variant is associated with the following publications: (PMID: 30819650, 29444212)

OMIM
Classification: Pathogenic for CAPILLARY MALFORMATION-ARTERIOVENOUS MALFORMATION 2. Last evaluated: 2018-11-21. Review status: no assertion criteria provided. Collection method: literature only. Allele origin: germline. Not counted in ClinVar's aggregate classification.

Literature cited by the submitters: PubMed 29444212 (cited by OMIM).